The following is an entry in ClinVar:

ClinVar aggregate classification (germline): Pathogenic/Likely pathogenic. Review status: criteria provided, multiple submitters, no conflicts (2 of 4 stars). 2 submissions from 2 submitters: Pathogenic (1); Likely pathogenic (1). Last evaluated 2026-01-28.

Conditions:
Usher syndrome type 1 (USH1). Also called: RETINITIS PIGMENTOSA AND CONGENITAL DEAFNESS. Identifiers: Orphanet 231169, Orphanet 886, MedGen C1568247, MONDO:0010168, OMIM 276900.
Autosomal dominant nonsyndromic hearing loss 11. Identifiers: Orphanet 90635, MedGen C1832475, MONDO:0011032, OMIM 601317.

Submissions (2):

Dasa
Classification: Likely pathogenic for Autosomal dominant nonsyndromic hearing loss 11. Last evaluated: 2026-01-28. Review status: criteria provided, single submitter. Criteria: DASA Assertion Criteria. Collection method: clinical testing. Allele origin: germline.
Comment: NM_000260.4(MYO7A):c.5044-1G>A affects a canonical splice site and is predicted to disrupt normal RNA splicing. Loss of function is an established disease mechanism for MYO7A-associated disorders. Also, this variant is rare in population databases. Based on the currently available evidence, this variant is classified as likely pathogenic.

Institute of Rare Diseases, West China Hospital, Sichuan University
Classification: Pathogenic for Usher syndrome type 1. Last evaluated: 2025-01-09. Review status: criteria provided, single submitter. Criteria: ClinGen HL ACMG Specifications v1. Collection method: research. Allele origin: germline. Affected: yes.
Comment: PVS1;PM3;PP4;PM2_Supporting

NM_000260.4(MYO7A):c.5044-1G>A

Gene: MYO7A (myosin VIIA; plus strand). Cytogenetic location: 11q13.5.
Variant type: single nucleotide variant.
Coding change: c.5044-1G>A on transcript NM_000260.4 (MANE Select); the canonical splice acceptor site of the intron before coding-DNA position 5044, G replaced by A.
Molecular consequence: splice acceptor variant.
Genome position (GRCh38, 1-based): chr11:77,202,299, G>A. VCF-style: chr11-77202299-G-A. GRCh37 (hg19) VCF-style: chr11-76913344-G-A.
Other names: c.4897-1G>A (NM_001369365.1); c.4930-1G>A (NM_001127180.2).
Identifiers: ClinVar variation 3601484 (VCV003601484.3).
Genomic context (GRCh38, chr11:77,202,299, plus strand): 5'-TGTTGATCCTGGTGGCCACAGGTAGAGAGCTGACCTGAGCCCCCTGTCTCTTGGTCCCTA[G>A]GCCCTGGTCACCATGACTCCCGATCAGAGGCAGGACGTTGTCCGGCTCTTGCAGCTGCGA-3'